The following is an entry in ClinVar:

NM_000944.5(PPP3CA):c.1214A>G (p.Lys405Arg)

Gene: PPP3CA (protein phosphatase 3 catalytic subunit alpha; minus strand). Cytogenetic location: 4q24.
Variant type: single nucleotide variant.
Coding change: c.1214A>G on transcript NM_000944.5 (MANE Select); coding-DNA position 1214, A replaced by G.
Protein change: p.Lys405Arg; replaces lysine 405 with arginine.
Molecular consequence: missense variant.
Genome position (GRCh38, 1-based): chr4:101,040,509, T>C on the plus strand (A>G on the coding strand, the complement: PPP3CA is on the minus strand). VCF-style: chr4-101040509-T-C. GRCh37 (hg19) VCF-style: chr4-101961666-T-C.
Other names: c.1214A>G (NM_000944.4); c.1214A>G, p.Lys405Arg (NM_001130691.2); c.1088A>G, p.Lys363Arg (NM_001130692.2); short protein forms K363R, K405R.
Identifiers: ClinVar variation 3663138 (VCV003663138.4).
Genomic context (GRCh38, chr4:101,040,509, plus strand): 5'-TTTGAAACAAAAACAGAGTACGAATGCACCCACCTGAGCACTGAGAACACTCTGGCCATT[T>C]TGCCTATTGCTCGGATCTTGTTCCTTATCACCTCTTTCCGGGCTGCAGCTGTTGCACCTG-3'
Protein context (NP_000935.1, residues 395-415): VIRNKIRAIG[Lys405Arg]MARVFSVLRE

ClinVar aggregate classification (germline): Uncertain significance. Review status: criteria provided, multiple submitters, no conflicts (2 of 4 stars). 3 submissions from 3 submitters: Uncertain significance (3). Last evaluated 2026-01-20.

Conditions:
Inborn genetic diseases. Identifiers: MedGen C0950123, MeSH D030342.

Submissions (3):

Ambry Genetics
Classification: Uncertain significance for Inborn genetic diseases. Last evaluated: 2026-01-20. Review status: criteria provided, single submitter. Criteria: Ambry Variant Classification Scheme 2023. Collection method: clinical testing. Allele origin: germline.

GeneDx
Classification: Uncertain significance. Last evaluated: 2025-04-08. Review status: criteria provided, single submitter. Criteria: GeneDx Variant Classification Process June 2021. Collection method: clinical testing. Allele origin: germline. Affected: yes.
Comment: Not observed at significant frequency in large population cohorts (gnomAD); In silico analysis indicates that this missense variant does not alter protein structure/function; Has not been previously published as pathogenic or benign to our knowledge

Labcorp Genetics (formerly Invitae), Labcorp
Classification: Uncertain significance. Last evaluated: 2024-12-24. Review status: criteria provided, single submitter. Criteria: Invitae Variant Classification Sherloc (09022015). Collection method: clinical testing. Allele origin: germline.
Comment: This sequence change replaces lysine, which is basic and polar, with arginine, which is basic and polar, at codon 405 of the PPP3CA protein (p.Lys405Arg). This variant is not present in population databases (gnomAD no frequency). This variant has not been reported in the literature in individuals affected with PPP3CA-related conditions. Invitae Evidence Modeling of protein sequence and biophysical properties (such as structural, functional, and spatial information, amino acid conservation, physicochemical variation, residue mobility, and thermodynamic stability) indicates that this missense variant is not expected to disrupt PPP3CA protein function with a negative predictive value of 80%. In summary, the available evidence is currently insufficient to determine the role of this variant in disease. Therefore, it has been classified as a Variant of Uncertain Significance.